The following is an entry in ClinVar:

NM_012414.4(RAB3GAP2):c.712+12G>T

Gene: RAB3GAP2 (RAB3 GTPase activating non-catalytic protein subunit 2; minus strand). Cytogenetic location: 1q41.
Variant type: single nucleotide variant.
Coding change: c.712+12G>T on transcript NM_012414.4 (MANE Select); 12 bases into the intron after coding-DNA position 712, G replaced by T.
Molecular consequence: intron variant.
Genome position (GRCh38, 1-based): chr1:220,205,895, C>A on the plus strand (G>T on the coding strand, the complement: RAB3GAP2 is on the minus strand). VCF-style: chr1-220205895-C-A. GRCh37 (hg19) VCF-style: chr1-220379237-C-A.
Identifiers: ClinVar variation 390597 (VCV000390597.1), dbSNP rs530494745, ClinGen allele CA1402931.

ClinVar aggregate classification (germline): Likely benign (1 of 4 stars; one submission).

Allele frequency attached by ClinVar (database versions not stated): ExAC 0.00001; gnomAD 0.00001; TOPMed 0.00002; 1000 Genomes Project 30x 0.00016; 1000 Genomes Project 0.00020.
gnomAD v4.1: 13 of 1,549,520 alleles (0.00084%); highest among the groups gnomAD compares: Admixed American, 0.0017%; no homozygotes.

Submission:

GeneDx
Classification: Likely benign. Last evaluated: 2016-11-08. Review status: criteria provided, single submitter. Criteria: GeneDx Variant Classification (06012015). Collection method: clinical testing. Allele origin: germline. Affected: yes.
Comment: This variant is considered likely benign or benign based on one or more of the following criteria: it is a conservative change, it occurs at a poorly conserved position in the protein, it is predicted to be benign by multiple in silico algorithms, and/or has population frequency not consistent with disease.